The following is an entry in ClinVar:

ClinVar aggregate classification (germline): Pathogenic. Review status: criteria provided, multiple submitters, no conflicts (2 of 4 stars). 2 submissions from 2 submitters: Pathogenic (2). Last evaluated 2022-09-07.

Conditions:
Autosomal recessive ataxia, Beauce type. Also called: Spinocerebellar ataxia, autosomal recessive 8; ATAXIA, RECESSIVE, OF BEAUCE; SYNE1 Deficiency; SYNE1-Related Autosomal Recessive Cerebellar Ataxia. Identifiers: Orphanet 88644, MedGen C1853116, MONDO:0012549, OMIM 610743.
Emery-Dreifuss muscular dystrophy 4, autosomal dominant (EDMD4). Also called: EMERY-DREIFUSS MUSCULAR DYSTROPHY 4 WITH VARIABLE FEATURES. Identifiers: Orphanet 261, MedGen C2751807, MONDO:0013071, OMIM 612998.

Allele frequency attached by ClinVar (database versions not stated): ExAC 0.00001.
gnomAD v4.1: 1 of 1,613,850 alleles (0.000062%); highest among the groups gnomAD compares: Non-Finnish European, 0.000085%; no homozygotes.

Submissions (2):

Revvity Omics, Revvity
Classification: Pathogenic. Last evaluated: 2022-09-07. Review status: criteria provided, single submitter. Criteria: ACMG Guidelines, 2015. Collection method: clinical testing. Allele origin: germline.

Labcorp Genetics (formerly Invitae), Labcorp
Classification: Pathogenic for Emery-Dreifuss muscular dystrophy 4, autosomal dominant; Autosomal recessive ataxia, Beauce type. Last evaluated: 2019-08-11. Review status: criteria provided, single submitter. Criteria: Invitae Variant Classification Sherloc (09022015). Collection method: clinical testing. Allele origin: germline.
Comment: For these reasons, this variant has been classified as Pathogenic. Algorithms developed to predict the effect of sequence changes on RNA splicing suggest that this variant may create or strengthen a splice site, but this prediction has not been confirmed by published transcriptional studies. Loss-of-function variants in SYNE1 are known to be pathogenic (PMID: 27086870). This variant has been observed to segregate with autosomal recessive spinocerebellar ataxia in a family (PMID: 23959263). ClinVar contains an entry for this variant (Variation ID: 632480). This sequence change creates a premature translational stop signal (p.Trp6620*) in the SYNE1 gene. It is expected to result in an absent or disrupted protein product. This variant is present in population databases (rs766499430, ExAC 0.002%).

Literature cited by the submitters: PubMed 27086870 (cited by Labcorp Genetics (formerly Invitae), Labcorp); PubMed 23959263 (cited by Labcorp Genetics (formerly Invitae), Labcorp).

NM_182961.4(SYNE1):c.20072G>A (p.Trp6691Ter)

Gene: SYNE1 (spectrin repeat containing nuclear envelope protein 1; minus strand). Cytogenetic location: 6q25.2.
Variant type: single nucleotide variant.
Coding change: c.20072G>A on transcript NM_182961.4 (MANE Select); coding-DNA position 20072, G replaced by A.
Protein change: p.Trp6691Ter; replaces tryptophan 6691 with a stop codon.
Molecular consequence: nonsense.
Genome position (GRCh38, 1-based): chr6:152,236,944, C>T on the plus strand (G>A on the coding strand, the complement: SYNE1 is on the minus strand). VCF-style: chr6-152236944-C-T. GRCh37 (hg19) VCF-style: chr6-152558079-C-T.
Other names: c.19859G>A, p.Trp6620Ter (NM_033071.5); short protein forms W6620*, W6691*.
Identifiers: ClinVar variation 632480 (VCV000632480.15), dbSNP rs766499430, ClinGen allele CA4054494.